The following is an entry in ClinVar:

ClinVar aggregate classification (germline): Likely pathogenic (1 of 4 stars; one submission).

Conditions:
Neural tube defects, folate-sensitive (NTDFS). Also called: NTD, FOLATE-SENSITIVE. Identifiers: Orphanet 823, MedGen C1866558, MONDO:0011120, OMIM 601634.
Methylcobalamin deficiency type cblG (HMAG). Also called: HOMOCYSTINURIA-MEGALOBLASTIC ANEMIA DUE TO DEFECT IN COBALAMIN METABOLISM, cblG COMPLEMENTATION TYPE; Functional methionine synthase deficiency type cblG; HOMOCYSTINURIA-MEGALOBLASTIC ANEMIA, cblG COMPLEMENTATION TYPE; HOMOCYSTINURIA-MEGALOBLASTIC ANEMIA, cblG TYPE. Identifiers: Orphanet 2170, Orphanet 622, MedGen C1855128, MONDO:0009609, OMIM 250940.

Submission:

Juno Genomics, Hangzhou Juno Genomics, Inc
Classification: Likely pathogenic for Neural tube defects, folate-sensitive; Methylcobalamin deficiency type cblG. Review status: criteria provided, single submitter. Criteria: ACMG Guidelines, 2015. Collection method: clinical testing. Allele origin: germline.
Comment: Null variant in a gene where loss of function (LOF) is a known mechanism of disease.;Absent from controls (or at extremely low frequency if recessive) in Genome Aggregation Database.

NM_000254.3(MTR):c.82A>T (p.Lys28Ter)

Gene: MTR (5-methyltetrahydrofolate-homocysteine methyltransferase; plus strand). Cytogenetic location: 1q43.
Variant type: single nucleotide variant.
Coding change: c.82A>T on transcript NM_000254.3 (MANE Select); coding-DNA position 82, A replaced by T.
Protein change: p.Lys28Ter; replaces lysine 28 with a stop codon.
Molecular consequence: nonsense. On other transcripts: 5 prime UTR variant (1).
Genome position (GRCh38, 1-based): chr1:236,803,475, A>T. VCF-style: chr1-236803475-A-T. GRCh37 (hg19) VCF-style: chr1-236966775-A-T.
Other names: c.-1027A>T (NM_001291940.2); c.82A>T, p.Lys28Ter (NM_001410942.1, NM_001291939.1); short protein forms K28*.
Identifiers: ClinVar variation 5006306 (VCV005006306.2).